The following is an entry in ClinVar:

NM_144573.4(NEXN):c.1242A>C (p.Glu414Asp)

Gene: NEXN (nexilin F-actin binding protein; plus strand). Cytogenetic location: 1p31.1.
Variant type: single nucleotide variant.
Coding change: c.1242A>C on transcript NM_144573.4 (MANE Select); coding-DNA position 1242, A replaced by C.
Protein change: p.Glu414Asp; replaces glutamic acid 414 with aspartic acid.
Molecular consequence: missense variant.
Genome position (GRCh38, 1-based): chr1:77,933,470, A>C. VCF-style: chr1-77933470-A-C. GRCh37 (hg19) VCF-style: chr1-78399155-A-C.
Other names: c.1050A>C, p.Glu350Asp (NM_001172309.2); short protein forms E350D, E414D.
Identifiers: ClinVar variation 1903631 (VCV001903631.6), dbSNP rs1650474155, ClinGen allele CA340877256.

ClinVar aggregate classification (germline): Uncertain significance. Review status: criteria provided, multiple submitters, no conflicts (2 of 4 stars). 2 submissions from 2 submitters: Uncertain significance (2). Last evaluated 2025-04-09.

Conditions:
Hypertrophic cardiomyopathy 20. Identifiers: MedGen C3151267, MONDO:0013477, OMIM 613876.
Dilated cardiomyopathy 1CC (CMD1CC). Identifiers: Orphanet 154, MedGen C2751084, MONDO:0013147, OMIM 613122.
Cardiovascular phenotype. Identifiers: MedGen CN230736.

Allele frequency attached by ClinVar (database versions not stated): gnomAD exomes below 0.00001; TOPMed 0.00001.
gnomAD v4.1: 2 of 1,605,542 alleles (0.00012%); highest among the groups gnomAD compares: Non-Finnish European, 0.000085%; no homozygotes.

Submissions (2):

Molecular Diagnostic Laboratory for Inherited Cardiovascular Disease, Montreal Heart Institute
Classification: Uncertain significance for Cardiovascular phenotype. Last evaluated: 2025-04-09. Review status: criteria provided, single submitter. Criteria: ACMG Guidelines, 2015. Collection method: clinical testing. Allele origin: germline. Affected: yes.

Labcorp Genetics (formerly Invitae), Labcorp
Classification: Uncertain significance for Dilated cardiomyopathy 1CC; Hypertrophic cardiomyopathy 20. Last evaluated: 2022-04-13. Review status: criteria provided, single submitter. Criteria: Invitae Variant Classification Sherloc (09022015). Collection method: clinical testing. Allele origin: germline.
Comment: This sequence change replaces glutamic acid, which is acidic and polar, with aspartic acid, which is acidic and polar, at codon 414 of the NEXN protein (p.Glu414Asp). This variant is not present in population databases (gnomAD no frequency). This variant has not been reported in the literature in individuals affected with NEXN-related conditions. Algorithms developed to predict the effect of missense changes on protein structure and function are either unavailable or do not agree on the potential impact of this missense change (SIFT: "Deleterious"; PolyPhen-2: "Probably Damaging"; Align-GVGD: "Class C0"). In summary, the available evidence is currently insufficient to determine the role of this variant in disease. Therefore, it has been classified as a Variant of Uncertain Significance.